The following is an entry in ClinVar:

NM_021927.3(GUF1):c.371C>T (p.Ser124Phe)

Gene: GUF1 (GTP binding elongation factor GUF1; plus strand). Cytogenetic location: 4p12.
Variant type: single nucleotide variant.
Coding change: c.371C>T on transcript NM_021927.3 (MANE Select); coding-DNA position 371, C replaced by T.
Protein change: p.Ser124Phe; replaces serine 124 with phenylalanine.
Molecular consequence: missense variant. On other transcripts: 5 prime UTR variant (2).
Genome position (GRCh38, 1-based): chr4:44,680,787, C>T. VCF-style: chr4-44680787-C-T. GRCh37 (hg19) VCF-style: chr4-44682804-C-T.
Other names: c.-598C>T (NM_001345867.2); c.371C>T, p.Ser124Phe (NM_001345868.2); c.-602C>T (NM_001345869.2); short protein forms S124F.
Identifiers: ClinVar variation 3637952 (VCV003637952.2).

ClinVar aggregate classification (germline): Uncertain significance (1 of 4 stars; one submission).

Submission:

Labcorp Genetics (formerly Invitae), Labcorp
Classification: Uncertain significance. Last evaluated: 2024-02-01. Review status: criteria provided, single submitter. Criteria: Invitae Variant Classification Sherloc (09022015). Collection method: clinical testing. Allele origin: germline.
Comment: This sequence change replaces serine, which is neutral and polar, with phenylalanine, which is neutral and non-polar, at codon 124 of the GUF1 protein (p.Ser124Phe). This variant is not present in population databases (gnomAD no frequency). This variant has not been reported in the literature in individuals affected with GUF1-related conditions. Advanced modeling of protein sequence and biophysical properties (such as structural, functional, and spatial information, amino acid conservation, physicochemical variation, residue mobility, and thermodynamic stability) performed at Invitae indicates that this missense variant is expected to disrupt GUF1 protein function with a positive predictive value of 80%. In summary, the available evidence is currently insufficient to determine the role of this variant in disease. Therefore, it has been classified as a Variant of Uncertain Significance.